The following is an entry in ClinVar:

NM_004415.4(DSP):c.6800C>A (p.Thr2267Asn)

Gene: DSP (desmoplakin; plus strand). Cytogenetic location: 6p24.3.
Variant type: single nucleotide variant.
Coding change: c.6800C>A on transcript NM_004415.4 (MANE Select); coding-DNA position 6800, C replaced by A.
Protein change: p.Thr2267Asn; replaces threonine 2267 with asparagine.
Molecular consequence: missense variant.
Genome position (GRCh38, 1-based): chr6:7,584,062, C>A. VCF-style: chr6-7584062-C-A. GRCh37 (hg19) VCF-style: chr6-7584295-C-A.
Other names: c.5003C>A, p.Thr1668Asn (NM_001008844.3); c.5471C>A, p.Thr1824Asn (NM_001319034.2); short protein forms T1824N, T1668N, T2267N.
Identifiers: ClinVar variation 4794442 (VCV004794442.1).

ClinVar aggregate classification (germline): Uncertain significance (1 of 4 stars; one submission).

Conditions:
Arrhythmogenic right ventricular dysplasia 8 (ARVD8). Also called: Arrhythmogenic Right Ventricular Dysplasia/Cardiomyopathy 8; ARRHYTHMOGENIC RIGHT VENTRICULAR DYSPLASIA, FAMILIAL, 8; ARRHYTHMOGENIC RIGHT VENTRICULAR CARDIOMYOPATHY 8. Identifiers: MedGen C1843896, MONDO:0011831, OMIM 607450.
Arrhythmogenic cardiomyopathy with wooly hair and keratoderma. Also called: PALMOPLANTAR KERATODERMA WITH LEFT VENTRICULAR CARDIOMYOPATHY AND WOOLLY HAIR; Dilated cardiomyopathy with woolly hair and keratoderma; Arrhythmogenic cardiomyopathy with woolly hair and keratoderma; Carvajal syndrome. Identifiers: Orphanet 65282, MedGen C1854063, MONDO:0011581, OMIM 605676.

gnomAD v4.1: 3 of 1,614,172 alleles (0.00019%); highest among the groups gnomAD compares: East Asian, 0.0067%; no homozygotes.

Submission:

Labcorp Genetics (formerly Invitae), Labcorp
Classification: Uncertain significance for Arrhythmogenic cardiomyopathy with wooly hair and keratoderma; Arrhythmogenic right ventricular dysplasia 8. Last evaluated: 2025-06-01. Review status: criteria provided, single submitter. Criteria: Invitae Variant Classification Sherloc (09022015). Collection method: clinical testing. Allele origin: germline.
Comment: This sequence change replaces threonine, which is neutral and polar, with asparagine, which is neutral and polar, at codon 2267 of the DSP protein (p.Thr2267Asn). This variant is not present in population databases (gnomAD no frequency). This variant has not been reported in the literature in individuals affected with DSP-related conditions. An algorithm developed to predict the effect of missense changes on protein structure and function (PolyPhen-2) suggests that this variant is likely to be tolerated. In summary, the available evidence is currently insufficient to determine the role of this variant in disease. Therefore, it has been classified as a Variant of Uncertain Significance.